The following is an entry in ClinVar:

NM_001267550.2(TTN):c.13094C>T (p.Ala4365Val)

Gene: TTN (titin; minus strand). Cytogenetic location: 2q31.2.
Variant type: single nucleotide variant.
Coding change: c.13094C>T on transcript NM_001267550.2 (MANE Select); coding-DNA position 13094, C replaced by T.
Protein change: p.Ala4365Val; replaces alanine 4365 with valine.
Molecular consequence: missense variant. On other transcripts: intron variant (1).
Genome position (GRCh38, 1-based): chr2:178,740,139, G>A on the plus strand (C>T on the coding strand, the complement: TTN is on the minus strand). VCF-style: chr2-178740139-G-A. GRCh37 (hg19) VCF-style: chr2-179604866-G-A.
Other names: c.12143C>T, p.Ala4048Val (NM_001256850.1); c.12005C>T, p.Ala4002Val (NM_003319.4); c.12380C>T, p.Ala4127Val (NM_133432.3); c.12581C>T, p.Ala4194Val (NM_133437.4); c.10361-1779C>T (NM_133378.4); c.13094C>T (NM_001267550.1); short protein forms A4048V, A4365V, A4002V, A4194V, A4127V.
Identifiers: ClinVar variation 596407 (VCV000596407.7), dbSNP rs1560903659, ClinGen allele CA349609444.

ClinVar aggregate classification (germline): Uncertain significance. Review status: criteria provided, multiple submitters, no conflicts (2 of 4 stars). 3 submissions from 3 submitters: Uncertain significance (3). Last evaluated 2026-05-31.

Conditions:
TTN-related disorder. Also called: TTN-related condition; TTN-related disease; TTN-related disorders.

Allele frequency attached by ClinVar (database versions not stated): gnomAD exomes below 0.00001; TOPMed below 0.00001.
gnomAD v4.1: 1 of 1,613,736 alleles (0.000062%); highest among the groups gnomAD compares: Admixed American, 0.0017%; no homozygotes.

Submissions (3):

PreventionGenetics, part of Exact Sciences
Classification: Uncertain significance for TTN-related condition. Last evaluated: 2026-05-31. Review status: criteria provided, single submitter. Criteria: ACMG Guidelines, 2015. Collection method: clinical testing. Allele origin: germline.
Comment: The TTN c.13094C>T variant is predicted to result in the amino acid substitution p.Ala4365Val. To our knowledge, this variant has not been reported in the literature or in a large population database (gnomAD), indicating this variant is rare. At this time, the clinical significance of this variant is uncertain due to the absence of conclusive functional and genetic evidence.

GeneDx
Classification: Uncertain significance. Last evaluated: 2024-07-15. Review status: criteria provided, single submitter. Criteria: GeneDx Variant Classification Process June 2021. Collection method: clinical testing. Allele origin: germline. Affected: yes.
Comment: Not observed at significant frequency in large population cohorts (gnomAD); Missense variant in a gene in which most reported pathogenic variants are truncating/loss of function; Has not been previously published as pathogenic or benign to our knowledge

Eurofins Ntd Llc (ga)
Classification: Uncertain significance. Last evaluated: 2018-03-13. Review status: criteria provided, single submitter. Criteria: EGL ClinVar v180209 classification definitions. Collection method: clinical testing. Allele origin: germline. Observed: 1 variant allele, 1 heterozygote.